The following is an entry in ClinVar:

NM_000089.4(COL1A2):c.3941T>C (p.Val1314Ala)

Gene: COL1A2 (collagen type I alpha 2 chain; plus strand). Cytogenetic location: 7q21.3.
Variant type: single nucleotide variant.
Coding change: c.3941T>C on transcript NM_000089.4 (MANE Select); coding-DNA position 3941, T replaced by C.
Protein change: p.Val1314Ala; replaces valine 1314 with alanine.
Molecular consequence: missense variant.
Genome position (GRCh38, 1-based): chr7:94,429,417, T>C. VCF-style: chr7-94429417-T-C. GRCh37 (hg19) VCF-style: chr7-94058729-T-C.
Other names: short protein forms V1314A.
Identifiers: ClinVar variation 456837 (VCV000456837.11), dbSNP rs1421507234, ClinGen allele CA368227087.

ClinVar aggregate classification (germline): Uncertain significance. Review status: criteria provided, multiple submitters, no conflicts (2 of 4 stars). 2 submissions from 2 submitters: Uncertain significance (2). Last evaluated 2024-11-30.

Conditions:
Osteogenesis imperfecta type I (OI1). Also called: Lobstein's Disease; Classic Non-deforming Osteogenesis Imperfecta with Blue Sclerae; Osteogenesis imperfecta type 1; OI, TYPE I; OSTEOGENESIS IMPERFECTA TARDA; OSTEOGENESIS IMPERFECTA WITH BLUE SCLERAE. Identifiers: Orphanet 216796, Orphanet 666, MedGen C0023931, MONDO:0008146, OMIM 166200. Disease mechanism: loss of function.
Ehlers-Danlos syndrome, classic type, 1 (EDSCL1). Also called: Ehlers-Danlos syndrome, type 1; Ehlers-Danlos Syndrome, Classic Type, COL5A1-Related; EDS I; EHLERS-DANLOS SYNDROME, GRAVIS TYPE; EHLERS-DANLOS SYNDROME, SEVERE CLASSIC TYPE. Identifiers: MedGen C0268335, MONDO:0019567, OMIM 130000.

Allele frequency attached by ClinVar (database versions not stated): gnomAD exomes below 0.00001; TOPMed below 0.00001; gnomAD 0.00001.
gnomAD v4.1: 7 of 1,613,886 alleles (0.00043%); highest among the groups gnomAD compares: Middle Eastern, 0.016%; no homozygotes.

Submissions (2):

Labcorp Genetics (formerly Invitae), Labcorp
Classification: Uncertain significance for Osteogenesis imperfecta type I; Ehlers-Danlos syndrome, classic type, 1. Last evaluated: 2024-11-30. Review status: criteria provided, single submitter. Criteria: Invitae Variant Classification Sherloc (09022015). Collection method: clinical testing. Allele origin: germline.
Comment: This sequence change replaces valine, which is neutral and non-polar, with alanine, which is neutral and non-polar, at codon 1314 of the COL1A2 protein (p.Val1314Ala). This variant is present in population databases (no rsID available, gnomAD 0.0009%). This missense change has been observed in individual(s) with clinical features of COL1A2-related conditions (internal data). ClinVar contains an entry for this variant (Variation ID: 456837). Invitae Evidence Modeling of protein sequence and biophysical properties (such as structural, functional, and spatial information, amino acid conservation, physicochemical variation, residue mobility, and thermodynamic stability) indicates that this missense variant is not expected to disrupt COL1A2 protein function with a negative predictive value of 95%. In summary, the available evidence is currently insufficient to determine the role of this variant in disease. Therefore, it has been classified as a Variant of Uncertain Significance.

Blueprint Genetics
Classification: Uncertain significance. Last evaluated: 2024-11-23. Review status: criteria provided, single submitter. Criteria: ACMG Guidelines, 2015. Collection method: clinical testing. Allele origin: germline.